The following is an entry in ClinVar:

NM_001379500.1(COL18A1):c.625G>A (p.Gly209Arg)

Gene: COL18A1 (collagen type XVIII alpha 1 chain; plus strand). Cytogenetic location: 21q22.3.
Variant type: single nucleotide variant.
Coding change: c.625G>A on transcript NM_001379500.1 (MANE Select); coding-DNA position 625, G replaced by A.
Protein change: p.Gly209Arg; replaces glycine 209 with arginine.
Molecular consequence: missense variant.
Genome position (GRCh38, 1-based): chr21:45,468,760, G>A. VCF-style: chr21-45468760-G-A. GRCh37 (hg19) VCF-style: chr21-46888674-G-A.
Other names: c.1165G>A (NM_030582.3); c.1165G>A, p.Gly389Arg (NM_030582.4); c.1870G>A, p.Gly624Arg (NM_130444.3); short protein forms G389R, G209R, G624R.
Identifiers: ClinVar variation 1494641 (VCV001494641.6), dbSNP rs751236712, ClinGen allele CA10065806.

ClinVar aggregate classification (germline): Uncertain significance. Review status: criteria provided, multiple submitters, no conflicts (2 of 4 stars). 3 submissions from 3 submitters: Uncertain significance (3). Last evaluated 2026-07-08.

Conditions:
COL18A1-related disorder. Also called: COL18A1-related condition; COL18A1-related disorders.

Allele frequency attached by ClinVar (database versions not stated): gnomAD 0.00007; gnomAD exomes 0.00009; ExAC 0.00017.
gnomAD v4.1: 106 of 1,604,160 alleles (0.0066%); highest among the groups gnomAD compares: Non-Finnish European, 0.0085%; no homozygotes.

Submissions (5):

PreventionGenetics, part of Exact Sciences
Classification: Uncertain significance for COL18A1-related condition. Last evaluated: 2026-07-08. Review status: criteria provided, single submitter. Criteria: ACMG Guidelines, 2015. Collection method: clinical testing. Allele origin: germline.
Comment: The COL18A1 c.1165G>A variant is predicted to result in the amino acid substitution p.Gly389Arg. To our knowledge, this variant has not been reported in the literature. This variant is reported in 0.017% of alleles in individuals of European (Non-Finnish) descent in gnomAD. At this time, the clinical significance of this variant is uncertain due to the absence of conclusive functional and genetic evidence.

Blueprint Genetics
Classification: Uncertain significance. Last evaluated: 2024-05-20. Review status: criteria provided, single submitter. Criteria: ACMG Guidelines, 2015. Collection method: clinical testing. Allele origin: germline.

Labcorp Genetics (formerly Invitae), Labcorp
Classification: Uncertain significance. Last evaluated: 2022-07-19. Review status: criteria provided, single submitter. Criteria: Invitae Variant Classification Sherloc (09022015). Collection method: clinical testing. Allele origin: germline.
Comment: This sequence change replaces glycine, which is neutral and non-polar, with arginine, which is basic and polar, at codon 209 of the COL18A1 protein (p.Gly209Arg). This variant is present in population databases (rs751236712, gnomAD 0.02%). This variant has not been reported in the literature in individuals affected with COL18A1-related conditions. ClinVar contains an entry for this variant (Variation ID: 1494641). Experimental studies and prediction algorithms are not available or were not evaluated, and the functional significance of this variant is currently unknown. In summary, the available evidence is currently insufficient to determine the role of this variant in disease. Therefore, it has been classified as a Variant of Uncertain Significance.

Dr. Peter K. Rogan Lab, Western University
No classification provided (evidence only). Condition: Melanoma. Review status: no classification provided. Collection method: in vitro. Allele origin: not applicable. Functional consequence: retained intron. Not counted in ClinVar's aggregate classification.

Dr. Peter K. Rogan Lab, Western University
No classification provided (evidence only). Condition: Familial cancer of breast. Review status: no classification provided. Collection method: in vitro. Allele origin: not applicable. Functional consequence: retained intron. Not counted in ClinVar's aggregate classification.